The following is an entry in ClinVar:

ClinVar aggregate classification (germline): Uncertain significance (1 of 4 stars; one submission).

Submission:

Labcorp Genetics (formerly Invitae), Labcorp
Classification: Uncertain significance. Last evaluated: 2022-11-26. Review status: criteria provided, single submitter. Criteria: Invitae Variant Classification Sherloc (09022015). Collection method: clinical testing. Allele origin: germline.
Comment: In summary, the available evidence is currently insufficient to determine the role of this variant in disease. Therefore, it has been classified as a Variant of Uncertain Significance. This sequence change replaces methionine, which is neutral and non-polar, with threonine, which is neutral and polar, at codon 1765 of the CHD8 protein (p.Met1765Thr). This variant is not present in population databases (gnomAD no frequency). This variant has not been reported in the literature in individuals affected with CHD8-related conditions. Advanced modeling of protein sequence and biophysical properties (such as structural, functional, and spatial information, amino acid conservation, physicochemical variation, residue mobility, and thermodynamic stability) performed at Invitae indicates that this missense variant is not expected to disrupt CHD8 protein function.

NM_001170629.2(CHD8):c.5294T>C (p.Met1765Thr)

Gene: CHD8 (chromodomain helicase DNA binding protein 8; minus strand). Cytogenetic location: 14q11.2.
Variant type: single nucleotide variant.
Coding change: c.5294T>C on transcript NM_001170629.2 (MANE Select); coding-DNA position 5294, T replaced by C.
Protein change: p.Met1765Thr; replaces methionine 1765 with threonine.
Molecular consequence: missense variant.
Genome position (GRCh38, 1-based): chr14:21,395,008, A>G on the plus strand (T>C on the coding strand, the complement: CHD8 is on the minus strand). VCF-style: chr14-21395008-A-G. GRCh37 (hg19) VCF-style: chr14-21863167-A-G.
Other names: c.4457T>C, p.Met1486Thr (NM_020920.4); short protein forms M1486T, M1765T.
Identifiers: ClinVar variation 2816874 (VCV002816874.3), dbSNP rs757949474, ClinGen allele CA388884079.
Genomic context (GRCh38, chr14:21,395,008, plus strand): 5'-TTGAAGGCTGCTTCACAACGCCGCCTTCGCCGGTCCCCACGTTCTGCAGCCTCTATCTTC[A>G]TTTGTTCTCTCTTGTAGCTGCGCTGATACGCTGTTACTAGACGCCGAAGCCTAGCTGTTA-3'
Protein context (NP_001164100.1, residues 1755-1775): AYQRSYKREQ[Met1765Thr]KIEAAERGDR